The following is an entry in ClinVar:

ClinVar aggregate classification (germline): Uncertain significance. Review status: criteria provided, multiple submitters, no conflicts (2 of 4 stars). 2 submissions from 2 submitters: Uncertain significance (2). Last evaluated 2025-07-10.

Conditions:
Thyroid dyshormonogenesis 6 (TDH6). Also called: Genetic transient congenital hypothyroidism; HYPOTHYROIDISM, CONGENITAL, DUE TO DYSHORMONOGENESIS, 6; THYROID HORMONOGENESIS, GENETIC DEFECT IN, 6. Identifiers: Orphanet 226316, Orphanet 95716, MedGen C1846632, MONDO:0011792, OMIM 607200.

Allele frequency attached by ClinVar (database versions not stated): gnomAD 0.00001; gnomAD exomes 0.00002 and 0.00003; TOPMed 0.00002.
gnomAD v4.1: 42 of 1,585,834 alleles (0.0026%); highest among the groups gnomAD compares: East Asian, 0.0091%; no homozygotes.

Submissions (2):

Labcorp Genetics (formerly Invitae), Labcorp
Classification: Uncertain significance. Last evaluated: 2025-07-10. Review status: criteria provided, single submitter. Criteria: Invitae Variant Classification Sherloc (09022015). Collection method: clinical testing. Allele origin: germline.
Comment: This sequence change replaces phenylalanine, which is neutral and non-polar, with serine, which is neutral and polar, at codon 591 of the DUOX2 protein (p.Phe591Ser). This variant is present in population databases (no rsID available, gnomAD 0.01%). This missense change has been observed in individual(s) with congenital hypothyroidism (PMID: 32319661, 33631011). ClinVar contains an entry for this variant (Variation ID: 1462084). Invitae Evidence Modeling of protein sequence and biophysical properties (such as structural, functional, and spatial information, amino acid conservation, physicochemical variation, residue mobility, and thermodynamic stability) indicates that this missense variant is expected to disrupt DUOX2 protein function with a positive predictive value of 80%. In summary, the available evidence is currently insufficient to determine the role of this variant in disease. Therefore, it has been classified as a Variant of Uncertain Significance.

Juno Genomics, Hangzhou Juno Genomics, Inc
Classification: Uncertain significance for Thyroid dyshormonogenesis 6. Review status: criteria provided, single submitter. Criteria: ACMG Guidelines, 2015. Collection method: clinical testing. Allele origin: germline.
Comment: Absent from controls (or at extremely low frequency if recessive) in Genome Aggregation Database.;Multiple lines of computational evidence support a deleterious effect on the gene or gene product.;For recessive disorders, detected in trans with a pathogenic variant.;Patient's phenotype or family history is highly specific for a disease with a single genetic etiology.

Literature cited by the submitters: PubMed 32319661 (cited by Labcorp Genetics (formerly Invitae), Labcorp); PubMed 33631011 (cited by Labcorp Genetics (formerly Invitae), Labcorp).

NM_001363711.2(DUOX2):c.1772T>C (p.Phe591Ser)

Gene: DUOX2 (dual oxidase 2; minus strand). Cytogenetic location: 15q21.1.
Variant type: single nucleotide variant.
Coding change: c.1772T>C on transcript NM_001363711.2 (MANE Select); coding-DNA position 1772, T replaced by C.
Protein change: p.Phe591Ser; replaces phenylalanine 591 with serine.
Molecular consequence: missense variant.
Genome position (GRCh38, 1-based): chr15:45,106,891, A>G on the plus strand (T>C on the coding strand, the complement: DUOX2 is on the minus strand). VCF-style: chr15-45106891-A-G. GRCh37 (hg19) VCF-style: chr15-45399089-A-G.
Other names: c.1772T>C, p.Phe591Ser (NM_014080.5); short protein forms F591S.
Identifiers: ClinVar variation 1462084 (VCV001462084.9), dbSNP rs914992230, ClinGen allele CA270129968.
Genomic context (GRCh38, chr15:45,106,891, plus strand): 5'-CCTAAGGGAAGGCAGCAGAGAGCAATGATGGTGATGGCAAAACCAGGGCTGCTGCCTTCA[A>G]AGAAGTCAAGCACAGTCAGGGGTGCACACTGGGGCAGGCCGTCAGTTGTGAGCTGCTTAG-3'
Protein context (NP_001350640.1, residues 581-601): QCAPLTVLDF[Phe591Ser]EGSSPGFAIT